The following is an entry in ClinVar:

ClinVar aggregate classification (germline): Likely benign (0 of 4 stars; one submission).

Conditions:
VPS13B-related disorder. Also called: VPS13B-related condition.

gnomAD v4.1: 2 of 1,614,198 alleles (0.00012%); highest among the groups gnomAD compares: Admixed American, 0.0033%; no homozygotes.

Submission:

PreventionGenetics, part of Exact Sciences
Classification: Likely benign for VPS13B-related condition. Last evaluated: 2021-06-22. Review status: no assertion criteria provided. Collection method: clinical testing. Allele origin: germline.
Comment: This variant is classified as likely benign based on ACMG/AMP sequence variant interpretation guidelines (Richards et al. 2015 PMID: 25741868, with internal and published modifications).

NM_152564.5(VPS13B):c.11436C>G (p.Arg3812=)

Gene: VPS13B (vacuolar protein sorting 13 homolog B; plus strand). Cytogenetic location: 8q22.2.
Variant type: single nucleotide variant.
Coding change: c.11436C>G on transcript NM_152564.5 (MANE Select); coding-DNA position 11436, C replaced by G.
Protein change: p.Arg3812=; no amino-acid change (arginine 3812 retained).
Molecular consequence: synonymous variant.
Genome position (GRCh38, 1-based): chr8:99,870,828, C>G. VCF-style: chr8-99870828-C-G. GRCh37 (hg19) VCF-style: chr8-100883056-C-G.
Other names: c.11511C>G, p.Arg3837= (NM_017890.5).
Identifiers: ClinVar variation 3357335 (VCV003357335.1).
Genomic context (GRCh38, chr8:99,870,828, plus strand): 5'-TACTTCTCTTACCACAGGTATTTTACATGGAGCTGGACTTTCTCAGCTTCCCAAACAGCG[C>G]CATCAGCCAAGTGATCTACATGCTGACCAGGCTCCAAACAGCCATGTCAAATATGTCTGG-3'
Protein context (NP_689777.3, residues 3802-3822): GAGLSQLPKQ[Arg3812=]HQPSDLHADQ